The following is an entry in ClinVar:

ClinVar aggregate classification (germline): Uncertain significance. Review status: criteria provided, multiple submitters, no conflicts (2 of 4 stars). 2 submissions from 2 submitters: Uncertain significance (2). Last evaluated 2026-04-25.

Conditions:
Inborn genetic diseases. Identifiers: MedGen C0950123, MeSH D030342.
Monocytopenia with susceptibility to infections. Also called: MONOCYTOPENIA AND MYCOBACTERIAL INFECTION SYNDROME; MONOCYTOPENIA WITH SUSCEPTIBILITY TO MYCOBACTERIAL, FUNGAL, AND PAPILLOMAVIRUS INFECTIONS AND MYELODYSPLASIA; COMBINED IMMUNODEFICIENCY WITH SUSCEPTIBILITY TO MYCOBACTERIAL, VIRAL, AND FUNGAL INFECTIONS; Dendritic cell, monocyte, B lymphocyte, and natural killer lymphocyte deficiency; IMMUNODEFICIENCY 21; GATA2 DEFICIENCY. Identifiers: Orphanet 228423, MedGen C3280030, MONDO:0013607, OMIM 614172.
Deafness-lymphedema-leukemia syndrome. Also called: Lymphedema, primary, with myelodysplasia; Emberger syndrome. Identifiers: Orphanet 3226, MedGen C3279664, MONDO:0013540, OMIM 614038.

Submissions (2):

Ambry Genetics
Classification: Uncertain significance for Inborn genetic diseases. Last evaluated: 2026-04-25. Review status: criteria provided, single submitter. Criteria: Ambry Variant Classification Scheme 2023. Collection method: clinical testing. Allele origin: germline.
Comment: The p.P178H variant (also known as c.533C>A), located in coding exon 2 of the GATA2 gene, results from a C to A substitution at nucleotide position 533. The proline at codon 178 is replaced by histidine, an amino acid with similar properties. This amino acid position is conserved. In addition, this alteration is predicted to be deleterious by in silico analysis. Based on the available evidence, the clinical significance of this variant remains unclear.

Labcorp Genetics (formerly Invitae), Labcorp
Classification: Uncertain significance for Monocytopenia with susceptibility to infections; Deafness-lymphedema-leukemia syndrome. Last evaluated: 2020-10-12. Review status: criteria provided, single submitter. Criteria: Invitae Variant Classification Sherloc (09022015). Collection method: clinical testing. Allele origin: germline.
Comment: This sequence change replaces proline with histidine at codon 178 of the GATA2 protein (p.Pro178His). The proline residue is moderately conserved and there is a moderate physicochemical difference between proline and histidine. This variant is not present in population databases (ExAC no frequency). This variant has not been reported in the literature in individuals with GATA2-related conditions. Algorithms developed to predict the effect of missense changes on protein structure and function are either unavailable or do not agree on the potential impact of this missense change (SIFT: "Deleterious"; PolyPhen-2: "Probably Damaging"; Align-GVGD: "Class C0"). In summary, the available evidence is currently insufficient to determine the role of this variant in disease. Therefore, it has been classified as a Variant of Uncertain Significance.

NM_032638.5(GATA2):c.533C>A (p.Pro178His)

Gene: GATA2 (GATA binding protein 2; minus strand). Cytogenetic location: 3q21.3.
Variant type: single nucleotide variant.
Coding change: c.533C>A on transcript NM_032638.5 (MANE Select); coding-DNA position 533, C replaced by A.
Protein change: p.Pro178His; replaces proline 178 with histidine.
Molecular consequence: missense variant.
Genome position (GRCh38, 1-based): chr3:128,486,065, G>T on the plus strand (C>A on the coding strand, the complement: GATA2 is on the minus strand). VCF-style: chr3-128486065-G-T. GRCh37 (hg19) VCF-style: chr3-128204908-G-T.
Other names: c.533C>A (NM_032638.4); c.533C>A, p.Pro178His (NM_001145661.2, NM_001145662.1); short protein forms P178H.
Identifiers: ClinVar variation 1008412 (VCV001008412.9), dbSNP rs2068693389, ClinGen allele CA354406571.